The following is an entry in ClinVar:

ClinVar aggregate classification (germline): Uncertain significance (1 of 4 stars; one submission).

Conditions:
Centromeric instability of chromosomes 1,9 and 16 and immunodeficiency (ICF1). Also called: Immunodeficiency-centromeric instability-facial anomalies; CENTROMERIC INSTABILITY, IMMUNODEFICIENCY SYNDROME; IMMUNE DEFICIENCY, VARIABLE, WITH CENTROMERIC INSTABILITY OF CHROMOSOMES 1, 9, AND 16; IMMUNODEFICIENCY SYNDROME, VARIABLE. Identifiers: Orphanet 2268, MedGen C0398788, MONDO:0000133.

Submission:

Labcorp Genetics (formerly Invitae), Labcorp
Classification: Uncertain significance for Centromeric instability of chromosomes 1,9 and 16 and immunodeficiency. Last evaluated: 2019-07-26. Review status: criteria provided, single submitter. Criteria: Invitae Variant Classification Sherloc (09022015). Collection method: clinical testing. Allele origin: germline.
Comment: This sequence change affects codon 586 of the DNMT3B mRNA. It is a 'silent' change, meaning that it does not change the encoded amino acid sequence of the DNMT3B protein. This variant is not present in population databases (ExAC no frequency). This variant has not been reported in the literature in individuals with DNMT3B-related conditions. Algorithms developed to predict the effect of sequence changes on RNA splicing suggest that this variant is not likely to affect RNA splicing, but this prediction has not been confirmed by published transcriptional studies. In summary, the available evidence is currently insufficient to determine the role of this variant in disease. Therefore, it has been classified as a Variant of Uncertain Significance.

NM_006892.4(DNMT3B):c.1758A>G (p.Thr586=)

Genes: DNMT3B (DNA methyltransferase 3 beta; plus strand), LOC126863014 (CDK7 strongly-dependent group 2 enhancer GRCh37_chr20:31385992-31387191; plus strand). Cytogenetic location: 20q11.21.
Variant type: single nucleotide variant.
Coding change: c.1758A>G on transcript NM_006892.4 (MANE Select); coding-DNA position 1758, A replaced by G.
Protein change: p.Thr586=; no amino-acid change (threonine 586 retained).
Molecular consequence: synonymous variant.
Genome position (GRCh38, 1-based): chr20:32,799,327, A>G. VCF-style: chr20-32799327-A-G. GRCh37 (hg19) VCF-style: chr20-31387133-A-G.
Other names: c.1572A>G, p.Thr524= (NM_001207055.2); c.1470A>G, p.Thr490= (NM_001207056.2); c.1698A>G, p.Thr566= (NM_175848.2, NM_175849.2); c.1734A>G, p.Thr578= (NM_175850.3).
Identifiers: ClinVar variation 948437 (VCV000948437.10), dbSNP rs1981038370, ClinGen allele CA510210455.